The following is an entry in ClinVar:

ClinVar aggregate classification (germline): Likely benign. Review status: criteria provided, multiple submitters, no conflicts (2 of 4 stars). 4 submissions from 4 submitters: Likely benign (4). Last evaluated 2026-01-28.

Conditions:
DNM2-related disorder. Also called: DNM2-related condition.
Charcot-Marie-Tooth disease dominant intermediate B (CMTDIB). Also called: Charcot-Marie-Tooth disease dominant intermediate 1; CMT DI1; Charcot-Marie-Tooth disease dominant intermediate I; CHARCOT-MARIE-TOOTH NEUROPATHY, DOMINANT INTERMEDIATE B. Identifiers: Orphanet 100044, Orphanet 228179, MedGen C1847902, MONDO:0011674, OMIM 606482.

Allele frequency attached by ClinVar (database versions not stated): ExAC 0.00002; gnomAD exomes 0.00003 and 0.00012; TOPMed 0.00008; gnomAD 0.00013 and 0.00014.
gnomAD v4.1: 194 of 1,611,956 alleles (0.012%); highest among the groups gnomAD compares: Middle Eastern, 0.033%; no homozygotes.

Submissions (4):

Labcorp Genetics (formerly Invitae), Labcorp
Classification: Likely benign for Charcot-Marie-Tooth disease dominant intermediate B. Last evaluated: 2026-01-28. Review status: criteria provided, single submitter. Criteria: Invitae Variant Classification Sherloc (09022015). Collection method: clinical testing. Allele origin: germline.

PreventionGenetics, part of Exact Sciences
Classification: Likely benign for DNM2-related condition. Last evaluated: 2025-11-06. Review status: criteria provided, single submitter. Criteria: ACMG Guidelines, 2015. Collection method: clinical testing. Allele origin: germline.
Comment: This variant is classified as likely benign based on ACMG/AMP sequence variant interpretation guidelines (Richards et al. 2015 PMID: 25741868, with internal and published modifications).

Mayo Clinic Laboratories, Mayo Clinic
Classification: Likely benign. Last evaluated: 2025-09-05. Review status: criteria provided, single submitter. Criteria: ACMG Guidelines, 2015. Collection method: clinical testing. Allele origin: germline. Observed: 1 variant allele.
Comment: BP4, BP7

CeGaT Center for Human Genetics Tuebingen
Classification: Likely benign. Last evaluated: 2024-09-01. Review status: criteria provided, single submitter. Criteria: CeGaT Center For Human Genetics Tuebingen Variant Classification Criteria Version 2. Collection method: clinical testing. Allele origin: germline. Affected: yes. Observed: 1 variant allele.
Comment: DNM2: BP4, BP7

NM_001005361.3(DNM2):c.2514C>T (p.Ile838=)

Gene: DNM2 (dynamin 2; plus strand). Cytogenetic location: 19p13.2.
Variant type: single nucleotide variant.
Coding change: c.2514C>T on transcript NM_001005361.3 (MANE Select); coding-DNA position 2514, C replaced by T.
Protein change: p.Ile838=; no amino-acid change (isoleucine 838 retained).
Molecular consequence: synonymous variant.
Genome position (GRCh38, 1-based): chr19:10,830,349, C>T. VCF-style: chr19-10830349-C-T. GRCh37 (hg19) VCF-style: chr19-10941025-C-T.
Other names: p.Ile838=; c.2514C>T, p.Ile838= (NM_001005360.3, NM_001190716.2); c.2502C>T, p.Ile834= (NM_001005362.3, NM_004945.4).
Identifiers: ClinVar variation 697708 (VCV000697708.26), dbSNP rs200782592, ClinGen allele CA9201632.